The following is an entry in ClinVar:

NM_001368397.1(FRMPD4):c.1287+26del

Gene: FRMPD4 (FERM and PDZ domain containing 4; plus strand). Cytogenetic location: Xp22.2.
Variant type: Deletion.
Coding change: c.1287+26del on transcript NM_001368397.1 (MANE Select); 26 bases into the intron after coding-DNA position 1287, one base deleted (T; older notation c.1287+26delT).
Molecular consequence: intron variant.
Genome position (GRCh38, 1-based): chrX:12,706,941, T deleted; the last of 18 consecutive T bases (chrX:12,706,924-12,706,941); deleting any one gives the same sequence. VCF-style (leftmost placement, unchanged base first): chrX-12706923-CT-C. GRCh37 (hg19) VCF-style: chrX-12725042-CT-C.
Other names: c.1287+26delT (NM_014728.3); c.1398+26del (NM_001368398.3, NM_001368395.3); c.1263+26del (NM_001368402.3, NM_001368401.1); c.1167+26del (NM_001368400.3); c.1278+26del (NM_001368399.3); c.1287+26del (NM_014728.3); c.1293+26del (NM_001368396.3).
Identifiers: ClinVar variation 402882 (VCV000402882.5), dbSNP rs746601138, ClinGen allele CA10349259.

ClinVar aggregate classification (germline): Benign/Likely benign. Review status: criteria provided, multiple submitters, no conflicts (2 of 4 stars). 2 submissions from 2 submitters: Benign (1); Likely benign (1). Last evaluated 2024-11-28.

Submissions (2):

Blueprint Genetics
Classification: Likely benign. Last evaluated: 2024-11-28. Review status: criteria provided, single submitter. Criteria: ACMG Guidelines, 2015. Collection method: clinical testing. Allele origin: germline.

Laboratory for Molecular Medicine, Mass General Brigham Personalized Medicine
Classification: Benign. Last evaluated: 2016-03-29. Review status: criteria provided, single submitter. Criteria: LMM Criteria. Collection method: clinical testing. Allele origin: germline.
Comment: Variant identified in a genome or exome case(s) and assessed due to predicted null impact of the variant or pathogenic assertions in the literature or databases. Disclaimer: This variant has not undergone full assessment. The following are preliminary notes: Frequency